The following is an entry in ClinVar:

ClinVar aggregate classification (germline): Benign/Likely benign. Review status: criteria provided, multiple submitters, no conflicts (2 of 4 stars). 7 submissions from 7 submitters: Benign (3); Likely benign (4). Last evaluated 2026-01-28.

Conditions:
Inborn genetic diseases. Identifiers: MedGen C0950123, MeSH D030342.
Neuronal ceroid lipofuscinosis. Also called: Neuronal Ceroid Lipofuscinoses. Identifiers: Orphanet 216, Orphanet 79263, MedGen C0027877, MONDO:0016295. Disease mechanism: loss of function.

Allele frequency attached by ClinVar (database versions not stated): gnomAD exomes 0.00020 and 0.00050; ExAC 0.00047; 1000 Genomes Project 0.00100; 1000 Genomes Project 30x 0.00109; gnomAD 0.00147 and 0.00163; TOPMed 0.00183; ESP Exome Variant Server 0.00215.
gnomAD v4.1: 518 of 1,614,074 alleles (0.032%); highest among the groups gnomAD compares: African/African-American, 0.56%; 1 homozygote.

Submissions (7):

Labcorp Genetics (formerly Invitae), Labcorp
Classification: Benign for Neuronal ceroid lipofuscinosis. Last evaluated: 2026-01-28. Review status: criteria provided, single submitter. Criteria: Invitae Variant Classification Sherloc (09022015). Collection method: clinical testing. Allele origin: germline.

Blueprint Genetics
Classification: Likely benign. Last evaluated: 2024-10-18. Review status: criteria provided, single submitter. Criteria: ACMG Guidelines, 2015. Collection method: clinical testing. Allele origin: germline.

Athena Diagnostics
Classification: Benign. Last evaluated: 2018-11-27. Review status: criteria provided, single submitter. Criteria: Athena Diagnostics Criteria. Collection method: clinical testing. Allele origin: germline.

Ambry Genetics
Classification: Likely benign for Inborn genetic diseases. Last evaluated: 2016-07-05. Review status: criteria provided, single submitter. Criteria: Ambry Variant Classification Scheme 2023. Collection method: clinical testing. Allele origin: germline.

Eurofins Ntd Llc (ga)
Classification: Likely benign. Last evaluated: 2015-05-04. Review status: criteria provided, single submitter. Criteria: EGL Classification Definitions 2015. Collection method: clinical testing. Allele origin: germline. Observed: 2 variant alleles, 2 heterozygotes.

GeneDx
Classification: Benign. Last evaluated: 2014-01-16. Review status: criteria provided, single submitter. Criteria: GeneDx Variant Classification (06012015). Collection method: clinical testing. Allele origin: germline. Affected: yes.
Comment: This variant is considered likely benign or benign based on one or more of the following criteria: it is a conservative change, it occurs at a poorly conserved position in the protein, it is predicted to be benign by multiple in silico algorithms, and/or has population frequency not consistent with disease.

Breakthrough Genomics
Classification: Likely benign. Review status: criteria provided, single submitter. Criteria: ACMG Guidelines, 2015. Collection method: not provided. Allele origin: germline. Inheritance: Autosomal recessive inheritance. Affected: yes.

NM_006493.4(CLN5):c.705G>A (p.Val235=)

Gene: CLN5 (CLN5 lysosomal BMP synthase; plus strand). Cytogenetic location: 13q22.3.
Variant type: single nucleotide variant.
Coding change: c.705G>A on transcript NM_006493.4 (MANE Select); coding-DNA position 705, G replaced by A.
Protein change: p.Val235=; no amino-acid change (valine 235 retained).
Molecular consequence: synonymous variant. On other transcripts: 3 prime UTR variant (1).
Genome position (GRCh38, 1-based): chr13:77,000,597, G>A. VCF-style: chr13-77000597-G-A. GRCh37 (hg19) VCF-style: chr13-77574732-G-A.
Other names: p.V284V:GTG>GTA; c.852G>A (LRG_692t1); c.*154G>A (NM_001366624.2).
Identifiers: ClinVar variation 136792 (VCV000136792.23), dbSNP rs116531784, ClinGen allele CA302983.